The following is an entry in ClinVar:

NM_024408.4(NOTCH2):c.7001G>C (p.Gly2334Ala)

Gene: NOTCH2 (notch receptor 2; minus strand). Cytogenetic location: 1p12.
Variant type: single nucleotide variant.
Coding change: c.7001G>C on transcript NM_024408.4 (MANE Select); coding-DNA position 7001, G replaced by C.
Protein change: p.Gly2334Ala; replaces glycine 2334 with alanine.
Molecular consequence: missense variant.
Genome position (GRCh38, 1-based): chr1:119,915,721, C>G on the plus strand (G>C on the coding strand, the complement: NOTCH2 is on the minus strand). VCF-style: chr1-119915721-C-G. GRCh37 (hg19) VCF-style: chr1-120458344-C-G.
Other names: short protein forms G2334A.
Identifiers: ClinVar variation 3676344 (VCV003676344.2).

ClinVar aggregate classification (germline): Uncertain significance (1 of 4 stars; one submission).

Conditions:
Hajdu-Cheney syndrome (HJCYS). Also called: SERPENTINE FIBULA-POLYCYSTIC KIDNEY SYNDROME; ACROOSTEOLYSIS WITH OSTEOPOROSIS AND CHANGES IN SKULL AND MANDIBLE; Acroosteolysis dominant type. Identifiers: Orphanet 955, MedGen C0917715, MONDO:0007057, OMIM 102500.

Submission:

Labcorp Genetics (formerly Invitae), Labcorp
Classification: Uncertain significance for Hajdu-Cheney syndrome. Last evaluated: 2025-02-11. Review status: criteria provided, single submitter. Criteria: Invitae Variant Classification Sherloc (09022015). Collection method: clinical testing. Allele origin: germline.
Comment: This sequence change replaces glycine, which is neutral and non-polar, with alanine, which is neutral and non-polar, at codon 2334 of the NOTCH2 protein (p.Gly2334Ala). This variant is not present in population databases (gnomAD no frequency). This variant has not been reported in the literature in individuals affected with NOTCH2-related conditions. Invitae Evidence Modeling of protein sequence and biophysical properties (such as structural, functional, and spatial information, amino acid conservation, physicochemical variation, residue mobility, and thermodynamic stability) indicates that this missense variant is not expected to disrupt NOTCH2 protein function with a negative predictive value of 80%. In summary, the available evidence is currently insufficient to determine the role of this variant in disease. Therefore, it has been classified as a Variant of Uncertain Significance.